The following is an entry in ClinVar:

ClinVar aggregate classification (germline): Uncertain significance. Review status: criteria provided, multiple submitters, no conflicts (2 of 4 stars). 2 submissions from 2 submitters: Uncertain significance (2). Last evaluated 2026-01-06.

Conditions:
Cardiovascular phenotype. Identifiers: MedGen CN230736.
DK1-congenital disorder of glycosylation. Also called: CONGENITAL DISORDER OF GLYCOSYLATION, TYPE Im; CDG Im; DK1 DEFICIENCY; DOLICHOL KINASE DEFICIENCY; DOLK-congenital disorder of glycosylation; Carbohydrate deficient glycoprotein syndrome type 1m. Identifiers: Orphanet 91131, MedGen C1835849, MONDO:0012556, OMIM 610768.

Allele frequency attached by ClinVar (database versions not stated): ExAC 0.00001; gnomAD exomes 0.00002; TOPMed 0.00002.

Submissions (2):

Ambry Genetics
Classification: Uncertain significance for Cardiovascular phenotype. Last evaluated: 2026-01-06. Review status: criteria provided, single submitter. Criteria: Ambry Variant Classification Scheme 2023. Collection method: clinical testing. Allele origin: germline.
Comment: The p.S509A variant (also known as c.1525T>G), located in coding exon 1 of the DOLK gene, results from a T to G substitution at nucleotide position 1525. The serine at codon 509 is replaced by alanine, an amino acid with similar properties. This amino acid position is conserved. In addition, the in silico prediction for this alteration is inconclusive. Based on the available evidence, the clinical significance of this variant remains unclear.

Labcorp Genetics (formerly Invitae), Labcorp
Classification: Uncertain significance for DK1-congenital disorder of glycosylation. Last evaluated: 2023-12-07. Review status: criteria provided, single submitter. Criteria: Invitae Variant Classification Sherloc (09022015). Collection method: clinical testing. Allele origin: germline.
Comment: This sequence change replaces serine, which is neutral and polar, with alanine, which is neutral and non-polar, at codon 509 of the DOLK protein (p.Ser509Ala). This variant is present in population databases (rs756791615, gnomAD 0.01%). This variant has not been reported in the literature in individuals affected with DOLK-related conditions. ClinVar contains an entry for this variant (Variation ID: 2421956). Advanced modeling of protein sequence and biophysical properties (such as structural, functional, and spatial information, amino acid conservation, physicochemical variation, residue mobility, and thermodynamic stability) performed at Invitae indicates that this missense variant is not expected to disrupt DOLK protein function with a negative predictive value of 80%. In summary, the available evidence is currently insufficient to determine the role of this variant in disease. Therefore, it has been classified as a Variant of Uncertain Significance.

NM_014908.4(DOLK):c.1525T>G (p.Ser509Ala)

Gene: DOLK (dolichol kinase; minus strand). Cytogenetic location: 9q34.11.
Variant type: single nucleotide variant.
Coding change: c.1525T>G on transcript NM_014908.4 (MANE Select); coding-DNA position 1525, T replaced by G.
Protein change: p.Ser509Ala; replaces serine 509 with alanine.
Molecular consequence: missense variant.
Genome position (GRCh38, 1-based): chr9:128,945,779, A>C on the plus strand (T>G on the coding strand, the complement: DOLK is on the minus strand). VCF-style: chr9-128945779-A-C. GRCh37 (hg19) VCF-style: chr9-131708058-A-C.
Other names: short protein forms S509A.
Identifiers: ClinVar variation 2421956 (VCV002421956.6), dbSNP rs756791615, ClinGen allele CA5271552.
Genomic context (GRCh38, chr9:128,945,779, plus strand): 5'-GCAGAAGGAGATTGTCTATCTGTGTAGTGTATGCTTCCAGGAGGGACACAGTGCTGATGG[A>C]CCCCAAAATCCAAGCATAACTGTAGTTTAGGTCCACTCCACTGTCAAAGATTAAGATCAG-3'
Protein context (NP_055723.1, residues 499-519): LNYSYAWILG[Ser509Ala]ISTVSLLEAY